The following is an entry in ClinVar:

ClinVar aggregate classification (germline): Likely benign. Review status: criteria provided, multiple submitters, no conflicts (2 of 4 stars). 3 submissions from 3 submitters: Likely benign (3). Last evaluated 2024-11-08.

Conditions:
Nephronophthisis. Also called: Juvenile Nephronophthisis. Identifiers: Orphanet 655, MedGen C0687120, MONDO:0019005, HP:0000090.

Allele frequency attached by ClinVar (database versions not stated): ExAC 0.00001; gnomAD exomes 0.00004 and 0.00005; gnomAD 0.00005 and 0.00006; TOPMed 0.00005.
gnomAD v4.1: 75 of 1,614,044 alleles (0.0046%); highest among the groups gnomAD compares: Middle Eastern, 0.016%; no homozygotes.

Submissions (3):

Labcorp Genetics (formerly Invitae), Labcorp
Classification: Likely benign for Nephronophthisis. Last evaluated: 2024-11-08. Review status: criteria provided, single submitter. Criteria: Invitae Variant Classification Sherloc (09022015). Collection method: clinical testing. Allele origin: germline.

Blueprint Genetics
Classification: Likely benign. Last evaluated: 2024-09-13. Review status: criteria provided, single submitter. Criteria: ACMG Guidelines, 2015. Collection method: clinical testing. Allele origin: germline.

CeGaT Center for Human Genetics Tuebingen
Classification: Likely benign. Last evaluated: 2023-10-01. Review status: criteria provided, single submitter. Criteria: CeGaT Center For Human Genetics Tuebingen Variant Classification Criteria Version 2. Collection method: clinical testing. Allele origin: germline. Affected: yes. Observed: 1 variant allele.
Comment: INVS: BP4, BP7

NM_014425.5(INVS):c.2643T>C (p.Pro881=)

Gene: INVS (inversin; plus strand). Cytogenetic location: 9q31.1.
Variant type: single nucleotide variant.
Coding change: c.2643T>C on transcript NM_014425.5 (MANE Select); coding-DNA position 2643, T replaced by C.
Protein change: p.Pro881=; no amino-acid change (proline 881 retained).
Molecular consequence: synonymous variant. On other transcripts: non-coding transcript variant (1).
Genome position (GRCh38, 1-based): chr9:100,292,900, T>C. VCF-style: chr9-100292900-T-C. GRCh37 (hg19) VCF-style: chr9-103055182-T-C.
Other names: c.2355T>C, p.Pro785= (NM_001318381.2); c.1665T>C, p.Pro555= (NM_001318382.2).
Identifiers: ClinVar variation 1574835 (VCV001574835.33), dbSNP rs201128300, ClinGen allele CA5158666.
Genomic context (GRCh38, chr9:100,292,900, plus strand): 5'-GCTGGAGACATCTACCCTGTCCGAGGACTTTCAGGTATCTAAGGAGACTGATCCAGCACC[T>C]GGTCCCCTCTCTGGGCAGAGTGTGAATATTGACCTTCTCCCCGTAGAGCTCCGACTGCAG-3'
Protein context (NP_055240.2, residues 871-891): FQVSKETDPA[Pro881=]GPLSGQSVNI